The following is an entry in ClinVar:

NC_000016.9:g.(?_87636753)_(88505740_?)del

Genes: BANP (BTG3 associated nuclear protein; plus strand), CA5A (carbonic anhydrase 5A; minus strand), JPH3 (junctophilin 3; plus strand), KLHDC4 (kelch domain containing 4; minus strand), SLC7A5 (solute carrier family 7 member 5; minus strand) and 1 more. Cytogenetic location: 16q24.2.
Variant type: Deletion.
Identifiers: ClinVar variation 1069841 (VCV001069841.4).

ClinVar aggregate classification (germline): Pathogenic (1 of 4 stars; one submission).

Conditions:
Hyperammonemic encephalopathy due to carbonic anhydrase VA deficiency. Also called: Carbonic anhydrase VA deficiency, hyperammonemia due to; Carbonic Anhydrase VA Deficiency. Identifiers: Orphanet 401948, MedGen C4706871, MONDO:0014332, OMIM 615751.

Submission:

Labcorp Genetics (formerly Invitae), Labcorp
Classification: Pathogenic for Hyperammonemic encephalopathy due to carbonic anhydrase VA deficiency. Last evaluated: 2020-10-10. Review status: criteria provided, single submitter. Criteria: Invitae Variant Classification Sherloc (09022015). Collection method: clinical testing. Allele origin: germline.
Comment: A gross deletion of the genomic region encompassing the full coding sequence of the CA5A gene has been identified. The boundaries of this event are unknown as the deletion extends beyond the assayed region for this gene and therefore may encompass additional genes. This variant has not been reported in the literature in individuals with CA5A-related conditions. Loss-of-function variants in CA5A are known to be pathogenic (PMID: 24530203, 26913920). For these reasons, this variant has been classified as Pathogenic.

Literature cited by the submitters: PubMed 24530203; PubMed 26913920.